The following is an entry in ClinVar:

ClinVar aggregate classification (germline): Uncertain significance (1 of 4 stars; one submission).

gnomAD v4.1: 16 of 1,595,496 alleles (0.001%); highest among the groups gnomAD compares: South Asian, 0.0078%; no homozygotes.

Submission:

Labcorp Genetics (formerly Invitae), Labcorp
Classification: Uncertain significance. Last evaluated: 2025-08-06. Review status: criteria provided, single submitter. Criteria: Invitae Variant Classification Sherloc (09022015). Collection method: clinical testing. Allele origin: germline.
Comment: This sequence change creates a premature translational stop signal (p.Arg242*) in the FSCN2 gene. It is expected to result in an absent or disrupted protein product. However, the current clinical and genetic evidence is not sufficient to establish whether loss-of-function variants in FSCN2 cause disease. This variant is present in population databases (rs782436903, gnomAD 0.02%). This variant has not been reported in the literature in individuals affected with FSCN2-related conditions. In summary, the available evidence is currently insufficient to determine the role of this variant in disease. Therefore, it has been classified as a Variant of Uncertain Significance.

NM_012418.4(FSCN2):c.724C>T (p.Arg242Ter)

Gene: FSCN2 (fascin actin-bundling protein 2, retinal; plus strand). Cytogenetic location: 17q25.3.
Variant type: single nucleotide variant.
Coding change: c.724C>T on transcript NM_012418.4 (MANE Select); coding-DNA position 724, C replaced by T.
Protein change: p.Arg242Ter; replaces arginine 242 with a stop codon.
Molecular consequence: nonsense.
Genome position (GRCh38, 1-based): chr17:81,529,255, C>T. VCF-style: chr17-81529255-C-T. GRCh37 (hg19) VCF-style: chr17-79496281-C-T.
Other names: c.724C>T, p.Arg242Ter (NM_001077182.3); short protein forms R242*.
Identifiers: ClinVar variation 4706241 (VCV004706241.1).